The following is an entry in ClinVar:

ClinVar aggregate classification (germline): Uncertain significance (1 of 4 stars; one submission).

Conditions:
Vitamin B2 deficiency. Identifiers: MedGen C0035528.

Submission:

Labcorp Genetics (formerly Invitae), Labcorp
Classification: Uncertain significance for Vitamin B2 deficiency. Last evaluated: 2020-01-13. Review status: criteria provided, single submitter. Criteria: Invitae Variant Classification Sherloc (09022015). Collection method: clinical testing. Allele origin: germline.
Comment: In summary, the available evidence is currently insufficient to determine the role of this variant in disease. Therefore, it has been classified as a Variant of Uncertain Significance. The current clinical and genetic evidence is not sufficient to establish whether loss-of-function variants in SLC52A1 cause disease. This variant has not been reported in the literature in individuals with SLC52A1-related conditions. This variant is not present in population databases (ExAC no frequency). This sequence change creates a premature translational stop signal (p.Lys75Glnfs*55) in the SLC52A1 gene. It is expected to result in an absent or disrupted protein product.

NM_017986.4(SLC52A1):c.221dup (p.Lys75fs)

Gene: SLC52A1 (solute carrier family 52 member 1; minus strand). Cytogenetic location: 17p13.2.
Variant type: Duplication.
Coding change: c.221dup on transcript NM_017986.4 (MANE Select); coding-DNA position 221, one base duplicated (G; older notation c.221dupG).
Protein change: p.Lys75fs; shifts the reading frame from lysine 75.
Molecular consequence: frameshift variant.
Genome position (GRCh38, 1-based): chr17:5,034,268, C duplicated on the plus strand (G on the coding strand, the reverse complement: SLC52A1 is on the minus strand); the first of 3 consecutive C bases (chr17:5,034,268-5,034,270); duplicating any one gives the same sequence. VCF-style (leftmost placement, unchanged base first): chr17-5034267-G-GC. GRCh37 (hg19) VCF-style: chr17-4937562-G-GC.
Other names: c.221dup, p.Lys75fs (NM_001104577.2); short protein forms K75fs.
Identifiers: ClinVar variation 1035172 (VCV001035172.46), dbSNP rs1975404144, ClinGen allele CA2244665922.